The following is an entry in ClinVar:

NM_000014.6(A2M):c.2679C>T (p.His893=)

Genes: A2M (alpha-2-macroglobulin; minus strand), KLRG1 (killer cell lectin like receptor G1; plus strand). Cytogenetic location: 12p13.31.
Variant type: single nucleotide variant.
Coding change: c.2679C>T on transcript NM_000014.6 (MANE Select); coding-DNA position 2679, C replaced by T.
Protein change: p.His893=; no amino-acid change (histidine 893 retained).
Molecular consequence: synonymous variant.
Genome position (GRCh38, 1-based): chr12:9,089,941, G>A on the plus strand (C>T on the coding strand, the complement: A2M is on the minus strand). VCF-style: chr12-9089941-G-A. GRCh37 (hg19) VCF-style: chr12-9242537-G-A.
Other names: c.2679C>T, p.His893= (NM_001347423.2); c.2379C>T, p.His793= (NM_001347424.2); c.2229C>T, p.His743= (NM_001347425.2).
Identifiers: ClinVar variation 3052428 (VCV003052428.2), dbSNP rs368199883, ClinGen allele CA6438319.

ClinVar aggregate classification (germline): Likely benign (0 of 4 stars; one submission).

Conditions:
A2M-related disorder. Also called: A2M-related condition.

Allele frequency attached by ClinVar (database versions not stated): gnomAD 0.00001; ExAC 0.00002; TOPMed 0.00002; gnomAD exomes 0.00003; ESP Exome Variant Server 0.00008.
gnomAD v4.1: 42 of 1,611,216 alleles (0.0026%); highest among the groups gnomAD compares: Non-Finnish European, 0.0031%; no homozygotes.

Submission:

PreventionGenetics, part of Exact Sciences
Classification: Likely benign for A2M-related condition. Last evaluated: 2019-08-14. Review status: no assertion criteria provided. Collection method: clinical testing. Allele origin: germline.
Comment: This variant is classified as likely benign based on ACMG/AMP sequence variant interpretation guidelines (Richards et al. 2015 PMID: 25741868, with internal and published modifications).